The following is an entry in ClinVar:

ClinVar aggregate classification (germline): Uncertain significance (1 of 4 stars; one submission).

Conditions:
Meckel-Gruber syndrome. Also called: Dysencephalia splachnocystica; DYSENCEPHALIA SPLANCHNOCYSTICA; GRUBER SYNDROME. Identifiers: Orphanet 564, MedGen C0265215, MONDO:0018921.
Joubert syndrome. Also called: Familial aplasia of the vermis; CEREBELLOPARENCHYMAL DISORDER IV; JOUBERT-BOLTSHAUSER SYNDROME. Identifiers: Orphanet 475, MedGen C5979921, MONDO:0018772.

Allele frequency attached by ClinVar (database versions not stated): gnomAD exomes 0.00001 and 0.00002; ExAC 0.00002; TOPMed below 0.00001; gnomAD 0.00001.
gnomAD v4.1: 18 of 1,614,088 alleles (0.0011%); highest among the groups gnomAD compares: Admixed American, 0.0033%; no homozygotes.

Submission:

Labcorp Genetics (formerly Invitae), Labcorp
Classification: Uncertain significance for Joubert syndrome; Meckel-Gruber syndrome. Last evaluated: 2020-02-17. Review status: criteria provided, single submitter. Criteria: Invitae Variant Classification Sherloc (09022015). Collection method: clinical testing. Allele origin: germline.
Comment: This sequence change replaces valine with alanine at codon 560 of the TCTN1 protein (p.Val560Ala). The valine residue is highly conserved and there is a small physicochemical difference between valine and alanine. This variant is present in population databases (rs765240282, ExAC 0.009%). In summary, the available evidence is currently insufficient to determine the role of this variant in disease. Therefore, it has been classified as a Variant of Uncertain Significance. Algorithms developed to predict the effect of missense changes on protein structure and function (SIFT, PolyPhen-2, Align-GVGD) all suggest that this variant is likely to be disruptive, but these predictions have not been confirmed by published functional studies and their clinical significance is uncertain. This variant has not been reported in the literature in individuals with TCTN1-related conditions.

NM_001082538.3(TCTN1):c.1679T>C (p.Val560Ala)

Gene: TCTN1 (tectonic family member 1; plus strand). Cytogenetic location: 12q24.11.
Variant type: single nucleotide variant.
Coding change: c.1679T>C on transcript NM_001082538.3 (MANE Select); coding-DNA position 1679, T replaced by C.
Protein change: p.Val560Ala; replaces valine 560 with alanine.
Molecular consequence: missense variant. On other transcripts: non-coding transcript variant (1).
Genome position (GRCh38, 1-based): chr12:110,647,792, T>C. VCF-style: chr12-110647792-T-C. GRCh37 (hg19) VCF-style: chr12-111085597-T-C.
Other names: c.1664T>C, p.Val555Ala (NM_001082537.3); c.1496T>C, p.Val499Ala (NM_001173975.3); c.1352T>C, p.Val451Ala (NM_001173976.2); c.1517T>C, p.Val506Ala (NM_001319680.2); c.1130T>C, p.Val377Ala (NM_001319681.2); c.1622T>C, p.Val541Ala (NM_024549.6); short protein forms V377A, V541A, V499A, V451A, V506A, V560A, V555A.
Identifiers: ClinVar variation 944360 (VCV000944360.9), dbSNP rs765240282, ClinGen allele CA6786978.
Genomic context (GRCh38, chr12:110,647,792, plus strand): 5'-CTCTCTGTTTATTACAGGCCAACTCAGGAAATGAAAGGACGATTCTTATTTCCACTGCGG[T>C]TACTTTTGTGGATGTGTCTGCACCTGCAGAGGCAGGCTTCAGAGCTCCACCAGCCATCAA-3'
Protein context (NP_001076007.1, residues 550-570): NERTILISTA[Val560Ala]TFVDVSAPAE